The following is an entry in ClinVar:

NM_002335.4(LRP5):c.2393C>T (p.Thr798Met)

Gene: LRP5 (LDL receptor related protein 5; plus strand). Cytogenetic location: 11q13.2.
Variant type: single nucleotide variant.
Coding change: c.2393C>T on transcript NM_002335.4 (MANE Select); coding-DNA position 2393, C replaced by T.
Protein change: p.Thr798Met; replaces threonine 798 with methionine.
Molecular consequence: missense variant.
Genome position (GRCh38, 1-based): chr11:68,411,510, C>T. VCF-style: chr11-68411510-C-T. GRCh37 (hg19) VCF-style: chr11-68178978-C-T.
Other names: c.650C>T, p.Thr217Met (NM_001291902.2); c.2393C>T (NM_002335.2); short protein forms T217M, T798M.
Identifiers: ClinVar variation 1058770 (VCV001058770.11), dbSNP rs371155552, ClinGen allele CA6149624.

ClinVar aggregate classification (germline): Uncertain significance. Review status: criteria provided, multiple submitters, no conflicts (2 of 4 stars). 4 submissions from 4 submitters: Uncertain significance (4). Last evaluated 2024-11-12.

Conditions:
Inborn genetic diseases. Identifiers: MedGen C0950123, MeSH D030342.
Exudative vitreoretinopathy 1 (EVR1). Also called: FEVR, AUTOSOMAL DOMINANT; Familial exudative vitreoretinopathy, autosomal dominant; CRISWICK-SCHEPENS SYNDROME. Identifiers: Orphanet 891, Orphanet 90050, MedGen C1851402, MONDO:0007589, OMIM 133780.
Osteoporosis with pseudoglioma (OPPG). Also called: osteoporosis-pseudoglioma syndrome. Identifiers: Orphanet 2788, MedGen C0432252, MONDO:0009820, OMIM 259770.
Osteoporosis. Identifiers: MedGen C0029456, MONDO:0005298, OMIM 166710, HP:0000939.
Bone mineral density quantitative trait locus 1 (BMND1). Identifiers: MedGen C1866079, OMIM 601884.
Worth disease. Also called: Autosomal dominant osteosclerosis, Worth type; ENDOSTEAL HYPEROSTOSIS, AUTOSOMAL DOMINANT; OSTEOSCLEROSIS, AUTOSOMAL DOMINANT. Identifiers: Orphanet 2790, MedGen C0432273, MONDO:0007764, OMIM 144750.
Autosomal dominant osteopetrosis 1 (OPTA1). Also called: OSTEOPETROSIS, AUTOSOMAL DOMINANT, TYPE I. Identifiers: Orphanet 2783, MedGen C1843330, MONDO:0011877, OMIM 607634.
Exudative vitreoretinopathy 4 (EVR4). Identifiers: Orphanet 891, MedGen C1866176, MONDO:0011151, OMIM 601813.
Polycystic liver disease 4 with or without kidney cysts. Identifiers: MedGen C4693479, MONDO:0044327, OMIM 617875.

Allele frequency attached by ClinVar (database versions not stated): ExAC 0.00002; TOPMed 0.00003; gnomAD 0.00005; ESP Exome Variant Server 0.00008.
gnomAD v4.1: 22 of 1,613,648 alleles (0.0014%); highest among the groups gnomAD compares: African/African-American, 0.004%; no homozygotes.

Submissions (4):

Labcorp Genetics (formerly Invitae), Labcorp
Classification: Uncertain significance. Last evaluated: 2024-11-12. Review status: criteria provided, single submitter. Criteria: Invitae Variant Classification Sherloc (09022015). Collection method: clinical testing. Allele origin: germline.
Comment: This sequence change replaces threonine, which is neutral and polar, with methionine, which is neutral and non-polar, at codon 798 of the LRP5 protein (p.Thr798Met). This variant is present in population databases (rs371155552, gnomAD 0.004%). This variant has not been reported in the literature in individuals affected with LRP5-related conditions. ClinVar contains an entry for this variant (Variation ID: 1058770). Invitae Evidence Modeling of protein sequence and biophysical properties (such as structural, functional, and spatial information, amino acid conservation, physicochemical variation, residue mobility, and thermodynamic stability) indicates that this missense variant is not expected to disrupt LRP5 protein function with a negative predictive value of 95%. In summary, the available evidence is currently insufficient to determine the role of this variant in disease. Therefore, it has been classified as a Variant of Uncertain Significance.

Ambry Genetics
Classification: Uncertain significance for Inborn genetic diseases. Last evaluated: 2023-03-07. Review status: criteria provided, single submitter. Criteria: Ambry Variant Classification Scheme 2023. Collection method: clinical testing. Allele origin: germline.

Fulgent Genetics
Classification: Uncertain significance for Exudative vitreoretinopathy 1; Worth disease; Osteoporosis; Osteoporosis with pseudoglioma; Exudative vitreoretinopathy 4; Bone mineral density quantitative trait locus 1; Autosomal dominant osteopetrosis 1; Polycystic liver disease 4 with or without kidney cysts. Last evaluated: 2021-11-22. Review status: criteria provided, single submitter. Criteria: ACMG Guidelines, 2015. Collection method: clinical testing. Allele origin: unknown.

Blueprint Genetics
Classification: Uncertain significance. Last evaluated: 2020-01-02. Review status: criteria provided, single submitter. Criteria: ACMG Guidelines, 2015. Collection method: clinical testing. Allele origin: germline.